The following is an entry in ClinVar:

NM_199420.4(POLQ):c.913T>G (p.Ser305Ala)

Gene: POLQ (DNA polymerase theta; minus strand). Cytogenetic location: 3q13.33.
Variant type: single nucleotide variant.
Coding change: c.913T>G on transcript NM_199420.4 (MANE Select); coding-DNA position 913, T replaced by G.
Protein change: p.Ser305Ala; replaces serine 305 with alanine.
Molecular consequence: missense variant.
Genome position (GRCh38, 1-based): chr3:121,533,037, A>C on the plus strand (T>G on the coding strand, the complement: POLQ is on the minus strand). VCF-style: chr3-121533037-A-C. GRCh37 (hg19) VCF-style: chr3-121251884-A-C.
Other names: short protein forms S305A.
Identifiers: ClinVar variation 3039038 (VCV003039038.3), dbSNP rs61757736, ClinGen allele CA2563695.

ClinVar aggregate classification (germline): Likely benign. Review status: criteria provided, single submitter (1 of 4 stars). 2 submissions from 2 submitters: Likely benign (1). 1 of the submissions does not count toward it. Last evaluated 2021-07-30.

Conditions:
POLQ-related disorder. Also called: POLQ-related condition.

Allele frequency attached by ClinVar (database versions not stated): 1000 Genomes Project 30x 0.00141; 1000 Genomes Project 0.00160; ExAC 0.00164; gnomAD 0.00202; TOPMed 0.00209; ESP Exome Variant Server 0.00215; gnomAD exomes 0.00268.
gnomAD v4.1: 4,231 of 1,613,518 alleles (0.26%); highest among the groups gnomAD compares: Non-Finnish European, 0.32%; 9 homozygotes.

Submissions (2):

Department of Pathology and Laboratory Medicine, Sinai Health System
Classification: Likely benign for POLQ-related disorder. Last evaluated: 2021-07-30. Review status: criteria provided, single submitter. Criteria: ACMG Guidelines, 2015. Collection method: research. Allele origin: germline.

PreventionGenetics, part of Exact Sciences
Classification: Likely benign for POLQ-related condition. Last evaluated: 2023-02-16. Review status: no assertion criteria provided. Collection method: clinical testing. Allele origin: germline. Not counted in ClinVar's aggregate classification.
Comment: This variant is classified as likely benign based on ACMG/AMP sequence variant interpretation guidelines (Richards et al. 2015 PMID: 25741868, with internal and published modifications).